The following is an entry in ClinVar:

NM_024915.4(GRHL2):c.310C>T (p.Gln104Ter)

Gene: GRHL2 (grainyhead like transcription factor 2; plus strand). Cytogenetic location: 8q22.3.
Variant type: single nucleotide variant.
Coding change: c.310C>T on transcript NM_024915.4 (MANE Select); coding-DNA position 310, C replaced by T.
Protein change: p.Gln104Ter; replaces glutamine 104 with a stop codon.
Molecular consequence: nonsense.
Genome position (GRCh38, 1-based): chr8:101,558,444, C>T. VCF-style: chr8-101558444-C-T. GRCh37 (hg19) VCF-style: chr8-102570672-C-T.
Other names: c.262C>T, p.Gln88Ter (NM_001330593.2, NM_001440448.1); c.310C>T, p.Gln104Ter (NM_001440447.1); short protein forms Q104*, Q88*.
Identifiers: ClinVar variation 4813842 (VCV004813842.1).

ClinVar aggregate classification (germline): Likely pathogenic (1 of 4 stars; one submission).

Conditions:
Autosomal dominant nonsyndromic hearing loss 28. Identifiers: Orphanet 90635, MedGen C1837640, MONDO:0012083, OMIM 608641.

Submission:

Variantyx, Inc.
Classification: Likely pathogenic for Autosomal dominant nonsyndromic hearing loss 28. Last evaluated: 2025-09-09. Review status: criteria provided, single submitter. Criteria: Variantyx Assertion Criteria 2022. Collection method: clinical testing. Allele origin: germline. Inheritance: Autosomal recessive inheritance. Affected: yes.
Comment: This is a nonsense variant in the GRHL2 gene (OMIM: 608576). Pathogenic variants in this gene have been associated with autosomal dominant deafness 28. This variant introduces a premature termination codon in exon 4 out of 16 and is expected to result in loss of function, which is a known disease mechanism for GRHL2 in this disorder (PMID: 12393799, 23813623, 25342930) (PVS1). This variant is absent from control populations (PM2) and has not been reported in individuals with GRHL2-related disorders in the databases available for review. Based on the current evidence, this variant is classified as likely pathogenic for autosomal dominant deafness 28.

Literature cited by the submitters: PubMed 12393799; PubMed 23813623; PubMed 25342930.